The following is an entry in ClinVar:

NM_016239.4(MYO15A):c.1153T>C (p.Tyr385His)

Gene: MYO15A (myosin XVA; plus strand). Cytogenetic location: 17p11.2.
Variant type: single nucleotide variant.
Coding change: c.1153T>C on transcript NM_016239.4 (MANE Select); coding-DNA position 1153, T replaced by C.
Protein change: p.Tyr385His; replaces tyrosine 385 with histidine.
Molecular consequence: missense variant.
Genome position (GRCh38, 1-based): chr17:18,119,953, T>C. VCF-style: chr17-18119953-T-C. GRCh37 (hg19) VCF-style: chr17-18023267-T-C.
Other names: short protein forms Y385H.
Identifiers: ClinVar variation 3393747 (VCV003393747.1).

ClinVar aggregate classification (germline): Uncertain significance (1 of 4 stars; one submission).

gnomAD v4.1: 6 of 1,613,708 alleles (0.00037%); highest among the groups gnomAD compares: African/African-American, 0.0013%; no homozygotes.

Submission:

GeneDx
Classification: Uncertain significance. Last evaluated: 2024-07-05. Review status: criteria provided, single submitter. Criteria: GeneDx Variant Classification Process June 2021. Collection method: clinical testing. Allele origin: germline. Affected: yes.
Comment: Not observed at significant frequency in large population cohorts (gnomAD); In silico analysis indicates that this missense variant does not alter protein structure/function; Has not been previously published as pathogenic or benign to our knowledge